The following is an entry in ClinVar:

ClinVar aggregate classification (germline): Likely benign. Review status: criteria provided, single submitter (1 of 4 stars). 2 submissions from 2 submitters: Likely benign (1). 1 of the submissions does not count toward it. Last evaluated 2024-01-01.

Conditions:
XIRP1-related disorder. Also called: XIRP1-related condition.

Allele frequency attached by ClinVar (database versions not stated): 1000 Genomes Project 30x 0.00062; 1000 Genomes Project 0.00080; TOPMed 0.00287; gnomAD 0.00405; ExAC 0.00445; ESP Exome Variant Server 0.00469; gnomAD exomes 0.00486.

Submissions (2):

CeGaT Center for Human Genetics Tuebingen
Classification: Likely benign. Last evaluated: 2024-01-01. Review status: criteria provided, single submitter. Criteria: CeGaT Center For Human Genetics Tuebingen Variant Classification Criteria Version 2. Collection method: clinical testing. Allele origin: germline. Affected: yes. Observed: 1 variant allele.
Comment: XIRP1: BS2

PreventionGenetics, part of Exact Sciences
Classification: Benign for XIRP1-related condition. Last evaluated: 2019-03-22. Review status: no assertion criteria provided. Collection method: clinical testing. Allele origin: germline. Not counted in ClinVar's aggregate classification.
Comment: This variant is classified as benign based on ACMG/AMP sequence variant interpretation guidelines (Richards et al. 2015 PMID: 25741868, with internal and published modifications).

NM_194293.4(XIRP1):c.1156G>A (p.Glu386Lys)

Gene: XIRP1 (xin actin binding repeat containing 1; minus strand). Cytogenetic location: 3p22.2.
Variant type: single nucleotide variant.
Coding change: c.1156G>A on transcript NM_194293.4 (MANE Select); coding-DNA position 1156, G replaced by A.
Protein change: p.Glu386Lys; replaces glutamic acid 386 with lysine.
Molecular consequence: missense variant. On other transcripts: intron variant (1).
Genome position (GRCh38, 1-based): chr3:39,188,290, C>T on the plus strand (G>A on the coding strand, the complement: XIRP1 is on the minus strand). VCF-style: chr3-39188290-C-T. GRCh37 (hg19) VCF-style: chr3-39229781-C-T.
Other names: c.1156G>A (NM_194293.2); c.1156G>A, p.Glu386Lys (NM_001198621.4); c.-167-2629G>A (NM_001351377.2); short protein forms E386K.
Identifiers: ClinVar variation 3024749 (VCV003024749.23), dbSNP rs145699338, ClinGen allele CA2326568.